The following is an entry in ClinVar:

ClinVar aggregate classification (germline): Uncertain significance (1 of 4 stars; one submission).

Submission:

Labcorp Genetics (formerly Invitae), Labcorp
Classification: Uncertain significance. Last evaluated: 2025-09-21. Review status: criteria provided, single submitter. Criteria: Invitae Variant Classification Sherloc (09022015). Collection method: clinical testing. Allele origin: germline.
Comment: This sequence change replaces threonine, which is neutral and polar, with alanine, which is neutral and non-polar, at codon 207 of the TNFRSF9 protein (p.Thr207Ala). This variant is not present in population databases (gnomAD no frequency). This variant has not been reported in the literature in individuals affected with TNFRSF9-related conditions. An algorithm developed to predict the effect of missense changes on protein structure and function outputs the following: PolyPhen-2: "Benign". The alanine amino acid residue is found in multiple mammalian species, which suggests that this missense change does not adversely affect protein function. In summary, the available evidence is currently insufficient to determine the role of this variant in disease. Therefore, it has been classified as a Variant of Uncertain Significance.

NM_001561.6(TNFRSF9):c.619A>G (p.Thr207Ala)

Gene: TNFRSF9 (TNF receptor superfamily member 9; minus strand). Cytogenetic location: 1p36.23.
Variant type: single nucleotide variant.
Coding change: c.619A>G on transcript NM_001561.6 (MANE Select); coding-DNA position 619, A replaced by G.
Protein change: p.Thr207Ala; replaces threonine 207 with alanine.
Molecular consequence: missense variant.
Genome position (GRCh38, 1-based): chr1:7,933,222, T>C on the plus strand (A>G on the coding strand, the complement: TNFRSF9 is on the minus strand). VCF-style: chr1-7933222-T-C. GRCh37 (hg19) VCF-style: chr1-7993282-T-C.
Other names: short protein forms T207A.
Identifiers: ClinVar variation 4766940 (VCV004766940.1).